The following is an entry in ClinVar:

ClinVar aggregate classification (germline): Uncertain significance (1 of 4 stars; one submission).

Conditions:
Developmental and epileptic encephalopathy 94 (DEE94). Also called: CHD2-Related Neurodevelopmental Disorders; Epileptic encephalopathy, childhood-onset. Identifiers: Orphanet 1942, Orphanet 2382, MedGen C3809278, MONDO:0014150, OMIM 615369.

Allele frequency attached by ClinVar (database versions not stated): ExAC 0.00001; gnomAD 0.00001; gnomAD exomes 0.00001; TOPMed 0.00005; 1000 Genomes Project 30x 0.00016; 1000 Genomes Project 0.00020.
gnomAD v4.1: 9 of 1,610,526 alleles (0.00056%); highest among the groups gnomAD compares: African/African-American, 0.011%; no homozygotes.

Submission:

Labcorp Genetics (formerly Invitae), Labcorp
Classification: Uncertain significance for Developmental and epileptic encephalopathy 94. Last evaluated: 2025-10-07. Review status: criteria provided, single submitter. Criteria: Invitae Variant Classification Sherloc (09022015). Collection method: clinical testing. Allele origin: germline.
Comment: This sequence change replaces aspartic acid, which is acidic and polar, with glutamic acid, which is acidic and polar, at codon 1639 of the CHD2 protein (p.Asp1639Glu). This variant is present in population databases (rs575697793, gnomAD 0.01%). This variant has not been reported in the literature in individuals affected with CHD2-related conditions. ClinVar contains an entry for this variant (Variation ID: 1932002). Invitae Evidence Modeling of protein sequence and biophysical properties (such as structural, functional, and spatial information, amino acid conservation, physicochemical variation, residue mobility, and thermodynamic stability) indicates that this missense variant is not expected to disrupt CHD2 protein function with a negative predictive value of 95%. In summary, the available evidence is currently insufficient to determine the role of this variant in disease. Therefore, it has been classified as a Variant of Uncertain Significance.

NM_001271.4(CHD2):c.4917C>G (p.Asp1639Glu)

Gene: CHD2 (chromodomain helicase DNA binding protein 2; plus strand). Cytogenetic location: 15q26.1.
Variant type: single nucleotide variant.
Coding change: c.4917C>G on transcript NM_001271.4 (MANE Select); coding-DNA position 4917, C replaced by G.
Protein change: p.Asp1639Glu; replaces aspartic acid 1639 with glutamic acid.
Molecular consequence: missense variant.
Genome position (GRCh38, 1-based): chr15:93,020,022, C>G. VCF-style: chr15-93020022-C-G. GRCh37 (hg19) VCF-style: chr15-93563252-C-G.
Other names: short protein forms D1639E.
Identifiers: ClinVar variation 1932002 (VCV001932002.5), dbSNP rs575697793, ClinGen allele CA7748603.
Genomic context (GRCh38, chr15:93,020,022, plus strand): 5'-AAATTCATCCATTTCTTGCAGTCATCAGATCATTCTTTCTTTTCCTGCAGATCGAGGAGA[C>G]TGGCAGAGGGAAAGAAAGTTCAACTATGGTGGTGGCAACAACAATCCACCATGGGGAAGC-3'
Protein context (NP_001262.3, residues 1629-1649): KRHFSNADRG[Asp1639Glu]WQRERKFNYG